The following is an entry in ClinVar:

ClinVar aggregate classification (germline): Conflicting classifications of pathogenicity. Review status: criteria provided, conflicting classifications (1 of 4 stars). 3 submissions from 3 submitters: Likely pathogenic (1); Uncertain significance (2). Last evaluated 2025-08-04.

Conditions:
Joubert syndrome 3 (JBTS3). Also called: AHI1-related Ciliopathy. Identifiers: Orphanet 220493, MedGen C1837713, MONDO:0012078, OMIM 608629.

gnomAD v4.1: 2 of 1,613,652 alleles (0.00012%); highest among the groups gnomAD compares: Non-Finnish European, 0.00017%; no homozygotes.

Submissions (3):

Myriad Genetics, Inc.
Classification: Uncertain significance for Joubert syndrome 3. Last evaluated: 2025-08-04. Review status: criteria provided, single submitter. Criteria: Myriad Autosomal Dominant, Autosomal Recessive and X-Linked Classification Criteria (2023). Collection method: clinical testing. Allele origin: unknown.
Comment: NM_001134831.1(AHI1):c.3486-2A>G is a variant in a canonical splice site classified as a variant of uncertain significance in the context of Joubert syndrome, AHI1-related. c.3486-2A>G has not been observed in cases with relevant disease. Relevant functional assessments of this variant are not available in the literature. c.3486-2A>G has not been observed in referenced population frequency databases. In summary, there is insufficient evidence to classify NM_001134831.1(AHI1):c.3486-2A>G as pathogenic or benign. Please note: this variant was assessed in the context of healthy population screening.

Fulgent Genetics
Classification: Likely pathogenic for Joubert syndrome 3. Last evaluated: 2024-02-13. Review status: criteria provided, single submitter. Criteria: ACMG Guidelines, 2015. Collection method: clinical testing. Allele origin: germline.

Blueprint Genetics
Classification: Uncertain significance. Last evaluated: 2021-10-28. Review status: criteria provided, single submitter. Criteria: ACMG Guidelines, 2015. Collection method: clinical testing. Allele origin: germline.

NM_001134831.2(AHI1):c.3486-2A>G

Gene: AHI1 (Abelson helper integration site 1; minus strand). Cytogenetic location: 6q23.3.
Variant type: single nucleotide variant.
Coding change: c.3486-2A>G on transcript NM_001134831.2 (MANE Select); the canonical splice acceptor site of the intron before coding-DNA position 3486, A replaced by G.
Molecular consequence: splice acceptor variant. On other transcripts: intron variant (1).
Genome position (GRCh38, 1-based): chr6:135,290,527, T>C on the plus strand (A>G on the coding strand, the complement: AHI1 is on the minus strand). VCF-style: chr6-135290527-T-C. GRCh37 (hg19) VCF-style: chr6-135611665-T-C.
Other names: c.3486-2A>G (NM_017651.4, NM_001134830.2, NM_001350503.2 and 1 more transcripts); c.3486-4880A>G (NM_001350504.2).
Identifiers: ClinVar variation 3593113 (VCV003593113.3).